The following is an entry in ClinVar:

NM_001283009.2(RTEL1):c.275CTG[7] (p.Ala95_Ala96dup)

Genes: RTEL1 (regulator of telomere elongation helicase 1; plus strand), RTEL1-TNFRSF6B (RTEL1-TNFRSF6B readthrough (NMD candidate); plus strand). Cytogenetic location: 20q13.33.
Variant type: Microsatellite.
Coding change: c.275CTG[7] on transcript NM_001283009.2 (MANE Select); seven copies in a row of the 3-base unit CTG starting at c.275; the reference has five copies in a row; two copies, 6 bases duplicated; also written c.284_289dup.
Protein change: p.Ala95_Ala96dup.
Molecular consequence: inframe insertion. On other transcripts: non-coding transcript variant (1), 5 prime UTR variant (1).
Genome position (GRCh38, 1-based): chr20:63,661,479-63,661,484, CTGCTG duplicated; duplicating any 6 consecutive bases within chr20:63,661,469-63,661,484 gives the same sequence; the position shown is the placement nearest the transcript's 3' end. VCF-style (leftmost placement, unchanged base first): chr20-63661468-C-CGCTGCT. GRCh37 (hg19) VCF-style: chr20-62292821-C-CGCTGCT.
Other names: p.Ala95_Ala96dup; c.-395CTG[7] (NM_001283010.1); c.275CTG[7], p.Ala95_Ala96dup (NM_016434.4, NM_032957.5); c.284_289dup (NM_001283009.2).
Identifiers: ClinVar variation 1508695 (VCV001508695.5), dbSNP rs769909059, ClinGen allele CA636615172.

ClinVar aggregate classification (germline): Uncertain significance. Review status: criteria provided, multiple submitters, no conflicts (2 of 4 stars). 2 submissions from 2 submitters: Uncertain significance (2). Last evaluated 2025-10-31.

Conditions:
Dyskeratosis congenita, autosomal recessive 5 (DKCB5). Identifiers: MedGen C3554656, MONDO:0014076, OMIM 615190.
Pulmonary fibrosis and/or bone marrow failure, Telomere-related, 3. Also called: PULMONARY FIBROSIS AND/OR BONE MARROW FAILURE SYNDROME, TELOMERE-RELATED, 3. Identifiers: Orphanet 2032, MedGen C4225346, MONDO:0014613, OMIM 616373.

Submissions (2):

Mayo Clinic Laboratories, Mayo Clinic
Classification: Uncertain significance. Last evaluated: 2025-10-31. Review status: criteria provided, single submitter. Criteria: ACMG Guidelines, 2015. Collection method: clinical testing. Allele origin: germline. Observed: 1 variant allele.
Comment: PM2_supporting, PM4

Labcorp Genetics (formerly Invitae), Labcorp
Classification: Uncertain significance for Dyskeratosis congenita, autosomal recessive 5; Pulmonary fibrosis and/or bone marrow failure, Telomere-related, 3. Last evaluated: 2025-06-05. Review status: criteria provided, single submitter. Criteria: Invitae Variant Classification Sherloc (09022015). Collection method: clinical testing. Allele origin: germline.
Comment: This variant, c.284_289dup, results in the insertion of 2 amino acid(s) of the RTEL1 protein (p.Ala95_Ala96dup), but otherwise preserves the integrity of the reading frame. The frequency data for this variant in the population databases is considered unreliable, as metrics indicate poor data quality at this position in the gnomAD database. This variant has not been reported in the literature in individuals affected with RTEL1-related conditions. Experimental studies and prediction algorithms are not available or were not evaluated, and the functional significance of this variant is currently unknown. In summary, the available evidence is currently insufficient to determine the role of this variant in disease. Therefore, it has been classified as a Variant of Uncertain Significance.